The following is an entry in ClinVar:

NM_001243925.2(MAPKAPK3):c.267G>A (p.Trp89Ter)

Gene: MAPKAPK3 (MAPK activated protein kinase 3; plus strand). Cytogenetic location: 3p21.2.
Variant type: single nucleotide variant.
Coding change: c.267G>A on transcript NM_001243925.2 (MANE Select); coding-DNA position 267, G replaced by A.
Protein change: p.Trp89Ter; replaces tryptophan 89 with a stop codon.
Molecular consequence: nonsense.
Genome position (GRCh38, 1-based): chr3:50,640,413, G>A. VCF-style: chr3-50640413-G-A. GRCh37 (hg19) VCF-style: chr3-50677844-G-A.
Other names: c.267G>A, p.Trp89Ter (NM_001243926.2, NM_004635.5); short protein forms W89*.
Identifiers: ClinVar variation 3723654 (VCV003723654.2).

ClinVar aggregate classification (germline): Uncertain significance (1 of 4 stars; one submission).

Submission:

Labcorp Genetics (formerly Invitae), Labcorp
Classification: Uncertain significance. Last evaluated: 2024-10-23. Review status: criteria provided, single submitter. Criteria: Invitae Variant Classification Sherloc (09022015). Collection method: clinical testing. Allele origin: germline.
Comment: This sequence change creates a premature translational stop signal (p.Trp89*) in the MAPKAPK3 gene. It is expected to result in an absent or disrupted protein product. However, the current clinical and genetic evidence is not sufficient to establish whether loss-of-function variants in MAPKAPK3 cause disease. This variant is not present in population databases (gnomAD no frequency). This variant has not been reported in the literature in individuals affected with MAPKAPK3-related conditions. In summary, the available evidence is currently insufficient to determine the role of this variant in disease. Therefore, it has been classified as a Variant of Uncertain Significance.